The following is an entry in ClinVar:

NM_003136.4(SRP54):c.806C>T (p.Pro269Leu)

Gene: SRP54 (signal recognition particle 54; plus strand). Cytogenetic location: 14q13.2.
Variant type: single nucleotide variant.
Coding change: c.806C>T on transcript NM_003136.4 (MANE Select); coding-DNA position 806, C replaced by T.
Protein change: p.Pro269Leu; replaces proline 269 with leucine.
Molecular consequence: missense variant.
Genome position (GRCh38, 1-based): chr14:35,013,822, C>T. VCF-style: chr14-35013822-C-T. GRCh37 (hg19) VCF-style: chr14-35483028-C-T.
Other names: c.659C>T, p.Pro220Leu (NM_001146282.2); c.806C>T, p.Pro269Leu (NM_001411017.1); short protein forms P269L, P220L.
Identifiers: ClinVar variation 3449373 (VCV003449373.4).

ClinVar aggregate classification (germline): Uncertain significance. Review status: criteria provided, multiple submitters, no conflicts (2 of 4 stars). 3 submissions from 3 submitters: Uncertain significance (3). Last evaluated 2024-08-20.

Conditions:
Inborn genetic diseases. Identifiers: MedGen C0950123, MeSH D030342.

gnomAD v4.1: 17 of 1,609,534 alleles (0.0011%); highest among the groups gnomAD compares: Middle Eastern, 0.016%; no homozygotes.

Submissions (3):

Ambry Genetics
Classification: Uncertain significance for Inborn genetic diseases. Last evaluated: 2024-08-20. Review status: criteria provided, single submitter. Criteria: Ambry Variant Classification Scheme 2023. Collection method: clinical testing. Allele origin: germline.

Blueprint Genetics
Classification: Uncertain significance. Last evaluated: 2024-07-11. Review status: criteria provided, single submitter. Criteria: ACMG Guidelines, 2015. Collection method: clinical testing. Allele origin: germline.

Labcorp Genetics (formerly Invitae), Labcorp
Classification: Uncertain significance. Last evaluated: 2024-03-16. Review status: criteria provided, single submitter. Criteria: Invitae Variant Classification Sherloc (09022015). Collection method: clinical testing. Allele origin: germline.
Comment: This sequence change replaces proline, which is neutral and non-polar, with leucine, which is neutral and non-polar, at codon 269 of the SRP54 protein (p.Pro269Leu). This variant is present in population databases (rs749487051, gnomAD 0.0009%). This variant has not been reported in the literature in individuals affected with SRP54-related conditions. Advanced modeling of protein sequence and biophysical properties (such as structural, functional, and spatial information, amino acid conservation, physicochemical variation, residue mobility, and thermodynamic stability) performed at Invitae indicates that this missense variant is expected to disrupt SRP54 protein function with a positive predictive value of 80%. In summary, the available evidence is currently insufficient to determine the role of this variant in disease. Therefore, it has been classified as a Variant of Uncertain Significance.